The following is an entry in ClinVar:

NM_005431.2(XRCC2):c.106G>A (p.Asp36Asn)

Gene: XRCC2 (X-ray repair cross complementing 2; minus strand). Cytogenetic location: 7q36.1.
Variant type: single nucleotide variant.
Coding change: c.106G>A on transcript NM_005431.2 (MANE Select); coding-DNA position 106, G replaced by A.
Protein change: p.Asp36Asn; replaces aspartic acid 36 with asparagine.
Molecular consequence: missense variant.
Genome position (GRCh38, 1-based): chr7:152,660,716, C>T on the plus strand (G>A on the coding strand, the complement: XRCC2 is on the minus strand). VCF-style: chr7-152660716-C-T. GRCh37 (hg19) VCF-style: chr7-152357801-C-T.
Other names: short protein forms D36N.
Identifiers: ClinVar variation 418853 (VCV000418853.10), dbSNP rs749538198, ClinGen allele CA4582402.

ClinVar aggregate classification (germline): Uncertain significance. Review status: criteria provided, multiple submitters, no conflicts (2 of 4 stars). 3 submissions from 3 submitters: Uncertain significance (3). Last evaluated 2025-02-07.

Conditions:
Hereditary cancer-predisposing syndrome. Also called: Hereditary neoplastic syndrome; Tumor predisposition; Neoplastic Syndromes, Hereditary; Hereditary Cancer Syndrome. Identifiers: Orphanet 140162, MedGen C0027672, MeSH D009386, MONDO:0015356.

Allele frequency attached by ClinVar (database versions not stated): gnomAD below 0.00001 and 0.00001; TOPMed 0.00001; gnomAD exomes 0.00002 and 0.00004; ExAC 0.00006.
gnomAD v4.1: 39 of 1,613,102 alleles (0.0024%); highest among the groups gnomAD compares: South Asian, 0.037%; 1 homozygote.

Submissions (3):

Ambry Genetics
Classification: Uncertain significance for Hereditary cancer-predisposing syndrome. Last evaluated: 2025-02-07. Review status: criteria provided, single submitter. Criteria: Ambry Variant Classification Scheme 2023. Collection method: clinical testing. Allele origin: germline.
Comment: The p.D36N variant (also known as c.106G>A), located in coding exon 2 of the XRCC2 gene, results from a G to A substitution at nucleotide position 106. The aspartic acid at codon 36 is replaced by asparagine, an amino acid with highly similar properties. This amino acid position is poorly conserved in available vertebrate species. In addition, this alteration is predicted to be tolerated by in silico analysis. Since supporting evidence is limited at this time, the clinical significance of this alteration remains unclear.

Labcorp Genetics (formerly Invitae), Labcorp
Classification: Uncertain significance. Last evaluated: 2023-09-20. Review status: criteria provided, single submitter. Criteria: Invitae Variant Classification Sherloc (09022015). Collection method: clinical testing. Allele origin: germline.
Comment: This variant is present in population databases (rs749538198, gnomAD 0.03%). This sequence change replaces aspartic acid, which is acidic and polar, with asparagine, which is neutral and polar, at codon 36 of the XRCC2 protein (p.Asp36Asn). This variant has not been reported in the literature in individuals affected with XRCC2-related conditions. ClinVar contains an entry for this variant (Variation ID: 418853). Advanced modeling of protein sequence and biophysical properties (such as structural, functional, and spatial information, amino acid conservation, physicochemical variation, residue mobility, and thermodynamic stability) performed at Invitae indicates that this missense variant is not expected to disrupt XRCC2 protein function. Algorithms developed to predict the effect of sequence changes on RNA splicing suggest that this variant may disrupt the consensus splice site. In summary, the available evidence is currently insufficient to determine the role of this variant in disease. Therefore, it has been classified as a Variant of Uncertain Significance.

GeneDx
Classification: Uncertain significance. Last evaluated: 2015-04-09. Review status: criteria provided, single submitter. Criteria: GeneDx Variant Classification (06012015). Collection method: clinical testing. Allele origin: germline. Affected: yes.
Comment: This variant is denoted XRCC2 c.106G>A at the cDNA level, p.Asp36Asn (D36N) at the protein level, and results in the change of an Aspartic Acid to an Asparagine (GAT>AAT). This variant has not, to our knowledge, been published in the literature as pathogenic or benign. XRCC2 Asp36Asn was not observed in approximately 6,500 individuals of European and African American ancestry in the NHLBI Exome Sequencing Project, indicating it is not a common benign variant in these populations. Since Aspartic Acid and Asparagine differ in some properties, this is considered a semi-conservative amino acid substitution. XRCC2 Asp36Asn occurs at a position that is not conserved across species and is not located in a functional domain (UniProt). In silico analyses are inconsistent regarding the effect this variant may have on protein structure and function. Based on currently available information, it is unclear whether XRCC2 Asp36Asn is pathogenic or benign. We consider it to be a variant of uncertain significance.